The following is an entry in ClinVar:

ClinVar aggregate classification (germline): Pathogenic/Likely pathogenic. Review status: criteria provided, multiple submitters, no conflicts (2 of 4 stars). 9 submissions from 9 submitters: Pathogenic (4); Likely pathogenic (4). 1 of the submissions does not count toward it. Last evaluated 2025-10-28.

Conditions:
Cardiovascular phenotype. Identifiers: MedGen CN230736.
Cardiac arrhythmia. Also called: Arrhythmia; Cardiac rhythm disease. Identifiers: MedGen C0003811, MONDO:0007263, HP:0011675.
Familial long QT syndrome (RWS). Also called: Congenital long QT syndrome; Romano-Ward syndrome; VENTRICULAR FIBRILLATION WITH PROLONGED QT INTERVAL. Identifiers: Orphanet 768, MedGen C1141890, MONDO:0019171.
Long QT syndrome (LQTS). Identifiers: MedGen C0023976, MeSH D008133, MONDO:0002442. Disease mechanism: loss of function. Inheritance: Various modes of inheritance.

Allele frequency attached by ClinVar (database versions not stated): gnomAD exomes 0.00001 and below 0.00001; TOPMed 0.00009; gnomAD 0.00011.
gnomAD v4.1: 22 of 1,611,626 alleles (0.0014%); highest among the groups gnomAD compares: Non-Finnish European, 0.00059%; no homozygotes.

Submissions (9):

Labcorp Genetics (formerly Invitae), Labcorp
Classification: Pathogenic for Long QT syndrome. Last evaluated: 2025-10-28. Review status: criteria provided, single submitter. Criteria: Invitae Variant Classification Sherloc (09022015). Collection method: clinical testing. Allele origin: germline.
Comment: This sequence change replaces threonine, which is neutral and polar, with methionine, which is neutral and non-polar, at codon 224 of the KCNQ1 protein (p.Thr224Met). The frequency data for this variant in the population databases is considered unreliable, as metrics indicate poor data quality at this position in the gnomAD database. This missense change has been observed in individuals with long QT syndrome (PMID: 19841298, 33141630; external communication). It is commonly reported in individuals of Amish ancestry (PMID: 19841298; external communication). ClinVar contains an entry for this variant (Variation ID: 67096). Invitae Evidence Modeling of protein sequence and biophysical properties (such as structural, functional, and spatial information, amino acid conservation, physicochemical variation, residue mobility, and thermodynamic stability) indicates that this missense variant is expected to disrupt KCNQ1 protein function with a positive predictive value of 95%. Experimental studies have shown that this missense change affects KCNQ1 function (PMID: 33141630). For these reasons, this variant has been classified as Pathogenic.

Mayo Clinic Laboratories, Mayo Clinic
Classification: Pathogenic. Last evaluated: 2025-09-04. Review status: criteria provided, single submitter. Criteria: ACMG Guidelines, 2015. Collection method: clinical testing. Allele origin: germline. Observed: 1 variant allele.
Comment: PP1, PP3_strong, PM2_supporting, PM3, PS3_moderate, PS4

GeneDx
Classification: Likely pathogenic. Last evaluated: 2025-05-27. Review status: criteria provided, single submitter. Criteria: GeneDx Variant Classification Process June 2021. Collection method: clinical testing. Allele origin: germline. Affected: yes.
Comment: Reported as highly enriched in the Amish (carrier frequency 1/45), likely through a founder effect and genetic drift (PMID: 33141630); Reported in >20 individuals with LQTS, either of Amish lineage or unspecified, however, segregation data were not described and it is unclear how many individuals are from the same kindred (PMID: 19716085, 19841298, 28794082, 34319147); Published functional studies showed that p.(T224M) generates significantly less current than wild type channel; additional studies are warranted to validate the functional effect of this variant in vivo (PMID: 33141630); In silico analysis supports that this missense variant has a deleterious effect on protein structure/function; Not observed at significant frequency in large population cohorts (gnomAD); This variant is associated with the following publications: (PMID: 22581653, 19841298, 34467620, 34532947, 28794082, 34319147, 34505893, 32470535, 24223155, 33141630, 19716085)

Women's Health and Genetics/Laboratory Corporation of America, LabCorp
Classification: Pathogenic for Long QT syndrome. Last evaluated: 2024-07-18. Review status: criteria provided, single submitter. Criteria: LabCorp Variant Classification Summary - May 2015. Collection method: clinical testing. Allele origin: germline.
Comment: Variant summary: KCNQ1 c.671C>T (p.Thr224Met) results in a non-conservative amino acid change in the encoded protein sequence. Five of five in-silico tools predict a damaging effect of the variant on protein function. The variant allele was found at a frequency of 4e-06 in 248566 control chromosomes (gnomAD). c.671C>T has been reported in the literature in individuals affected with Long QT Syndrome (e.g. Mahdieh_2020). These data indicate that the variant is likely to be associated with disease. At least one publication reports experimental evidence evaluating an impact on protein function, finding that the variant results in a loss of channel function (Streeten_2020). The following publications have been ascertained in the context of this evaluation (PMID: 32470535, 33141630). ClinVar contains an entry for this variant (Variation ID: 67096). Based on the evidence outlined above, the variant was classified as pathogenic.

Color Diagnostics, LLC DBA Color Health
Classification: Pathogenic for Cardiac arrhythmia. Last evaluated: 2023-06-26. Review status: criteria provided, single submitter. Criteria: ACMG Guidelines, 2015. Collection method: clinical testing. Allele origin: germline.
Comment: This missense variant replaces threonine with methionine at codon 224 of the KCNQ1 protein. This variant is found within the highly conserved extracellular linker region (a.a. 218-225). Rare nontruncating variants in this region have been shown to be significantly overrepresented in individuals with long QT syndrome (PMID: 32893267). A functional study has shown that this variant causes a significant reduction in total activating and deactivating currents (PMID: 33141630). This variant has been reported in many individuals affected with long QT syndrome including two young homozygous individuals (PMID: 19716085, 19841298, 32470535, 33141630) and has been reported to segregate with disease in one family (PMID: 19841298). In particular, this variant has been reported to be a common cause of long QT syndrome in the Amish population with 34/88 (38.6%) of carriers versus 3/54 (5.5%) of non-carriers showing clinical evidence of long QT syndrome (P=0.0006) (PMID: 33141630). This study has suggested that the phenotypes associated with this variant appear to be mild. While this variant is observed at 1/45 frequency in the Amish population (PMID: 33141630), it is rare in the general population and has been identified in 1/248566 chromosomes in the general population by the Genome Aggregation Database (gnomAD). Based on the available evidence, this variant is classified as Pathogenic.

Ambry Genetics
Classification: Likely pathogenic for Cardiovascular phenotype. Last evaluated: 2023-06-12. Review status: criteria provided, single submitter. Criteria: Ambry Variant Classification Scheme 2023. Collection method: clinical testing. Allele origin: germline.
Comment: The c.671C>T (p.T224M) alteration is located in exon 4 (coding exon 4) of the KCNQ1 gene. This alteration results from a C to T substitution at nucleotide position 671, causing the threonine (T) at amino acid position 224 to be replaced by a methionine (M). Based on data from gnomAD, the T allele has an overall frequency of <0.001% (1/248566) total alleles studied. The highest observed frequency was 0.001% (1/112482) of European (non-Finnish) alleles. This alteration has been detected in individuals with features of long QT syndrome; however clinical details were limited in some cases (Kapplinger, 2009; Roberts, 2017; Schwartz, 2009; Behr, 2013). This alteration has also been reported as an Amish founder mutation associated with a significant increase in QTc interval; however, it does appear to have low penetrance (Streeten, 2020). This amino acid position is highly conserved in available vertebrate species. This alteration is located in the extracellular space between the S3 and S4 transmembrane helices. Functional studies suggest this variant may result in a reduction in current; however, these types of studies do not always reflect physiological significance (Streeten, 2020). This alteration is predicted to be deleterious by in silico analysis. Based on the available evidence, this alteration is classified as likely pathogenic.

CeGaT Center for Human Genetics Tuebingen
Classification: Likely pathogenic. Last evaluated: 2023-01-01. Review status: criteria provided, single submitter. Criteria: CeGaT Center For Human Genetics Tuebingen Variant Classification Criteria Version 2. Collection method: clinical testing. Allele origin: germline. Affected: yes. Observed: 4 variant alleles.
Comment: KCNQ1: PM2, PS3:Moderate, PS4:Moderate, PP4

Translational Genomics Laboratory, University of Maryland School of Medicine
Classification: Likely pathogenic for Long QT syndrome. Last evaluated: 2017-12-21. Review status: criteria provided, single submitter. Criteria: ACMG Guidelines, 2015. Collection method: clinical testing. Allele origin: germline. Affected: yes. Observed: 86 variant alleles. Clinical features observed: Prolonged QT interval (HP:0001657).
Comment: The c.671C>T variant in codon 224 (exon 5) of the potassium voltage-gated channel subfamily Q member 1 gene, KCNQ1, results in the substitution of Threonine to Methionine. Missense variants in the KCNQ1 gene are known to cause autosomal dominant hereditary long QT syndrome 1 (also known as Romano-Ward syndrome) and autosomal recessive Jervell and Lange-Nielsen syndrome (24667783, 15840476, 27761162). The c.671C>T variant was not observed in the NHLBI Exome Sequencing Project, 1000 Genomes Project, or Exome Aggregation Consortium databases, however the c.671C>T variant was previously reported in a patient with long QT syndrome (19716085 Multiple lines of computational evidence (MutationTaster, FATHMM, GERP, MetaSVM, MetalR, Provean, LRT, SIFT) predict this variant is probably damaging to the protein structure, function, or protein-protein interaction. The c.671C>T variant is located within a transmembrane region of the protein that has minimal benign variation among individuals in population databases and in the literature (27761162, 17227916). ACMG criteria = PS4, PM1, PM2, PP3

Cardiovascular Biomedical Research Unit, Royal Brompton & Harefield NHS Foundation Trust
No classification provided. Condition: Familial long QT syndrome. Review status: no classification provided. Collection method: literature only. Allele origin: germline. Not counted in ClinVar's aggregate classification.
Comment: This variant has been reported as associated with Long QT syndrome in the following publications (PMID:19716085). This is a literature report, and does not necessarily reflect the clinical interpretation of the Imperial College / Royal Brompton Cardiovascular Genetics laboratory.

Literature cited by the submitters: PubMed 19841298 (cited by 4 submitters); PubMed 33141630 (cited by 5 submitters); PubMed 19716085 (cited by 5 submitters); PubMed 28794082 (cited by Mayo Clinic Laboratories, Mayo Clinic and Ambry Genetics); PubMed 32470535 (cited by 4 submitters); PubMed 32893267 (cited by Color Diagnostics, LLC DBA Color Health); PubMed 24223155 (cited by Ambry Genetics); PubMed 24667783 (cited by Translational Genomics Laboratory, University of Maryland School of Medicine); PubMed 15840476 (cited by Translational Genomics Laboratory, University of Maryland School of Medicine); PubMed 27761162 (cited by Translational Genomics Laboratory, University of Maryland School of Medicine); PubMed 17227916 (cited by Translational Genomics Laboratory, University of Maryland School of Medicine); PubMed 22581653 (cited by Cardiovascular Biomedical Research Unit, Royal Brompton & Harefield NHS Foundation Trust).

NM_000218.3(KCNQ1):c.671C>T (p.Thr224Met)

Gene: KCNQ1 (potassium voltage-gated channel subfamily Q member 1; plus strand). Cytogenetic location: 11p15.5.
Variant type: single nucleotide variant.
Coding change: c.671C>T on transcript NM_000218.3 (MANE Select); coding-DNA position 671, C replaced by T.
Protein change: p.Thr224Met; replaces threonine 224 with methionine.
Molecular consequence: missense variant.
Genome position (GRCh38, 1-based): chr11:2,571,391, C>T. VCF-style: chr11-2571391-C-T. GRCh37 (hg19) VCF-style: chr11-2592621-C-T.
Other names: c.671C>T (LRG_287t1); c.671C>T, p.Thr224Met (NM_001406836.1); c.401C>T, p.Thr134Met (NM_001406837.1); c.290C>T, p.Thr97Met (NM_181798.2); short protein forms T224M, T97M, T134M.
Identifiers: ClinVar variation 67096 (VCV000067096.51), dbSNP rs199472706, ClinGen allele CA007860.
Genomic context (GRCh38, chr11:2,571,391, plus strand): 5'-TCGTGGTCGTGGCCTCCATGGTGGTCCTCTGCGTGGGCTCCAAGGGGCAGGTGTTTGCCA[C>T]GTCGGCCATCAGGTGCGTCTGTGCCACAAGCTCCCCCCGCCATGCCGCCCCACCCCGAGC-3'
Protein context (NP_000209.2, residues 214-234): CVGSKGQVFA[Thr224Met]SAIRGIRFLQ